The following is an entry in ClinVar:

ClinVar aggregate classification (germline): Uncertain significance (1 of 4 stars; one submission).

Allele frequency attached by ClinVar (database versions not stated): TOPMed below 0.00001.
gnomAD v4.1: 4 of 1,535,722 alleles (0.00026%); highest among the groups gnomAD compares: Non-Finnish European, 0.00035%; no homozygotes.

Submission:

CeGaT Center for Human Genetics Tuebingen
Classification: Uncertain significance. Last evaluated: 2023-11-01. Review status: criteria provided, single submitter. Criteria: CeGaT Center For Human Genetics Tuebingen Variant Classification Criteria Version 2. Collection method: clinical testing. Allele origin: germline. Affected: yes. Observed: 1 variant allele.
Comment: MINAR2: PM2, BP4

NM_001257308.2(MINAR2):c.238C>T (p.Pro80Ser)

Gene: MINAR2 (membrane integral NOTCH2 associated receptor 2; plus strand). Cytogenetic location: 5q23.3.
Variant type: single nucleotide variant.
Coding change: c.238C>T on transcript NM_001257308.2 (MANE Select); coding-DNA position 238, C replaced by T.
Protein change: p.Pro80Ser; replaces proline 80 with serine.
Molecular consequence: missense variant.
Genome position (GRCh38, 1-based): chr5:129,760,450, C>T. VCF-style: chr5-129760450-C-T. GRCh37 (hg19) VCF-style: chr5-129096143-C-T.
Other names: short protein forms P80S.
Identifiers: ClinVar variation 2673026 (VCV002673026.23), dbSNP rs1206525131, ClinGen allele CA360829767.
Genomic context (GRCh38, chr5:129,760,450, plus strand): 5'-AATATTGCTGCTCAACGAATTAGGGGATCCAGTGCAGACAGCCTTGTCACTGCTGATAGC[C>T]CCCCACCATCCATGTCATCAGTTATGAAGAATAACCCACTCTATGGTGACCTAAGTTTGG-3'
Protein context (NP_001244237.1, residues 70-90): SADSLVTADS[Pro80Ser]PPSMSSVMKN